The following continues an entry in ClinVar:

NM_000277.3(PAH):c.1157A>G (p.Tyr386Cys)

Gene: PAH. ClinVar aggregate classification (germline): Pathogenic. Pathogenic (1).

Submissions 11 to 14 of 14:

PreventionGenetics, part of Exact Sciences
Classification: Pathogenic for PAH-related condition. Last evaluated: 2024-08-19. Review status: no assertion criteria provided. Collection method: clinical testing. Allele origin: germline. Not counted in ClinVar's aggregate classification.
Comment: The PAH c.1157A>G variant is predicted to result in the amino acid substitution p.Tyr386Cys. This variant has been reported, in the homozygous state or with a second causative PAH variant, in multiple individuals with phenylalanine hydroxylase deficiency (e.g., Fiori et al. 2005. PubMed ID: 16198137; Lüleyap et al. 2006. PubMed ID: 16765994; Quirk et al. 2012. PubMed ID: 22841515; Sarkissian et al. 2012. PubMed ID: 23430918; Table S3, Hillert et al. 2020. PubMed ID: 32668217). We have also observed this variant in presumably affected individuals that also carried a second pathogenic or likely pathogenic variant in PAH (PreventionGenetics internal data). This variant is interpreted as pathogenic by the ClinGen PAH Variant Curation Expert Panel, and as likely pathogenic or pathogenic by other submitters to ClinVar. This variant is reported in 0.0044% of alleles in individuals of European (Non-Finnish) descent in gnomAD. Based on the collective evidence, we classify this variant as pathogenic.

Undiagnosed Diseases Network, NIH
Classification: Pathogenic for Polymicrogyria, perisylvian, with cerebellar hypoplasia and arthrogryposis. Last evaluated: 2022-10-27. Review status: no assertion criteria provided. Collection method: clinical testing. Allele origin: maternal. Affected: yes. Observed: 1 variant allele, 1 heterozygote. Not counted in ClinVar's aggregate classification.

Counsyl
Classification: Likely pathogenic for Phenylketonuria. Last evaluated: 2014-08-22. Review status: no assertion criteria provided. Collection method: literature only. Allele origin: unknown. Inheritance: Autosomal recessive inheritance. Not counted in ClinVar's aggregate classification.

DeBelle Laboratory for Biochemical Genetics, MUHC/MCH RESEARCH INSTITUTE
No classification provided. Review status: no classification provided. Collection method: not provided. Allele origin: not provided. Not counted in ClinVar's aggregate classification.

Literature cited by the submitters: PubMed 16765994 (cited by 5 submitters); PubMed 22841515 (cited by 5 submitters); PubMed 23357515 (cited by 4 submitters); PubMed 32668217 (cited by Myriad Genetics, Inc.); PubMed 16198137 (cited by 4 submitters); PubMed 23430918 (cited by 3 submitters); PubMed 24350308 (cited by 3 submitters); PubMed 24368688 (cited by 6 submitters); PubMed 26542770 (cited by Natera, Inc. and Women's Health and Genetics/Laboratory Corporation of America, LabCorp); PubMed 8533759 (cited by Quest Diagnostics Nichols Institute San Juan Capistrano and Counsyl); PubMed 9634518 (cited by Quest Diagnostics Nichols Institute San Juan Capistrano and Counsyl); PubMed 10394930 (cited by Quest Diagnostics Nichols Institute San Juan Capistrano and Counsyl); PubMed 11385716 (cited by Quest Diagnostics Nichols Institute San Juan Capistrano and Counsyl); PubMed 12655553 (cited by Quest Diagnostics Nichols Institute San Juan Capistrano and Counsyl); PubMed 18493213 (cited by 3 submitters); PubMed 26210745 (cited by 3 submitters); PubMed 24941924 (cited by Quest Diagnostics Nichols Institute San Juan Capistrano and Mayo Clinic Laboratories, Mayo Clinic); PubMed 34828281 (cited by Quest Diagnostics Nichols Institute San Juan Capistrano); PubMed 36537053 (cited by Quest Diagnostics Nichols Institute San Juan Capistrano and Mayo Clinic Laboratories, Mayo Clinic); PubMed 35339094 (cited by Mayo Clinic Laboratories, Mayo Clinic); PubMed 23074961 (cited by Counsyl); PubMed 11696894 (cited by Counsyl); PubMed 17924342 (cited by Counsyl).